The following is an entry in ClinVar:

NM_001127222.2(CACNA1A):c.3315del (p.Met1106fs)

Gene: CACNA1A (calcium voltage-gated channel subunit alpha1 A; minus strand). Cytogenetic location: 19p13.13.
Variant type: Deletion.
Coding change: c.3315del on transcript NM_001127222.2 (MANE Select); coding-DNA position 3315, one base deleted (C; older notation c.3315delC).
Protein change: p.Met1106fs; shifts the reading frame from methionine 1106.
Molecular consequence: frameshift variant.
Genome position (GRCh38, 1-based): chr19:13,286,741, G deleted on the plus strand (C on the coding strand, the reverse complement: CACNA1A is on the minus strand); the first of 4 consecutive G bases (chr19:13,286,741-13,286,744); deleting any one gives the same sequence. VCF-style (leftmost placement, unchanged base first): chr19-13286740-TG-T. GRCh37 (hg19) VCF-style: chr19-13397554-TG-T.
Other names: c.3318delC (NM_001127221.1); c.3327del, p.Met1110fs (NM_000068.4, NM_023035.3); c.3318del, p.Met1107fs (NM_001127221.2, NM_001174080.2); short protein forms M1106fs, M1107fs, M1110fs.
Identifiers: ClinVar variation 5033571 (VCV005033571.1).

ClinVar aggregate classification (germline): Pathogenic (1 of 4 stars; one submission).

Conditions:
Inborn genetic diseases. Identifiers: MedGen C0950123, MeSH D030342.

Submission:

Ambry Genetics
Classification: Pathogenic for Inborn genetic diseases. Last evaluated: 2026-09-08. Review status: criteria provided, single submitter. Criteria: Ambry Variant Classification Scheme 2023. Collection method: clinical testing. Allele origin: germline.
Comment: The c.3318delC (p.M1107Cfs*80) alteration, located in exon 20 (coding exon 20) of the CACNA1A gene, consists of a deletion of one nucleotide at position 3318, causing a translational frameshift with a predicted alternate stop codon after 80 amino acids. This variant is expected to result in loss of function by premature protein truncation or nonsense-mediated mRNA decay. for CACNA1A-related neurologic disorder; however, it is unlikely to be causative of CACNA1A-related spinocerebellar ataxia. This variant was not reported in population-based cohorts in the Genome Aggregation Database (gnomAD). Based on the available evidence, this alteration is classified as pathogenic.